The following is an entry in ClinVar:

ClinVar aggregate classification (germline): Uncertain significance (1 of 4 stars; one submission).

Allele frequency attached by ClinVar (database versions not stated): gnomAD 0.00001.
gnomAD v4.1: 1 of 1,614,030 alleles (0.000062%); highest among the groups gnomAD compares: African/African-American, 0.0013%; no homozygotes.

Submission:

Labcorp Genetics (formerly Invitae), Labcorp
Classification: Uncertain significance. Last evaluated: 2023-07-06. Review status: criteria provided, single submitter. Criteria: Invitae Variant Classification Sherloc (09022015). Collection method: clinical testing. Allele origin: germline.
Comment: Advanced modeling of protein sequence and biophysical properties (such as structural, functional, and spatial information, amino acid conservation, physicochemical variation, residue mobility, and thermodynamic stability) performed at Invitae indicates that this missense variant is not expected to disrupt DUOX2 protein function. This variant has not been reported in the literature in individuals affected with DUOX2-related conditions. This variant is not present in population databases (gnomAD no frequency). This sequence change replaces glutamine, which is neutral and polar, with lysine, which is basic and polar, at codon 1434 of the DUOX2 protein (p.Gln1434Lys). In summary, the available evidence is currently insufficient to determine the role of this variant in disease. Therefore, it has been classified as a Variant of Uncertain Significance.

NM_001363711.2(DUOX2):c.4300C>A (p.Gln1434Lys)

Gene: DUOX2 (dual oxidase 2; minus strand). Cytogenetic location: 15q21.1.
Variant type: single nucleotide variant.
Coding change: c.4300C>A on transcript NM_001363711.2 (MANE Select); coding-DNA position 4300, C replaced by A.
Protein change: p.Gln1434Lys; replaces glutamine 1434 with lysine.
Molecular consequence: missense variant.
Genome position (GRCh38, 1-based): chr15:45,095,031, G>T on the plus strand (C>A on the coding strand, the complement: DUOX2 is on the minus strand). VCF-style: chr15-45095031-G-T. GRCh37 (hg19) VCF-style: chr15-45387229-G-T.
Other names: c.4300C>A, p.Gln1434Lys (NM_014080.5); short protein forms Q1434K.
Identifiers: ClinVar variation 2837107 (VCV002837107.3), dbSNP rs780488151, ClinGen allele CA392250718.